The following is an entry in ClinVar:

NM_022098.4(XPNPEP3):c.1402C>T (p.Arg468Trp)

Gene: XPNPEP3 (X-prolyl aminopeptidase 3; plus strand). Cytogenetic location: 22q13.2.
Variant type: single nucleotide variant.
Coding change: c.1402C>T on transcript NM_022098.4 (MANE Select); coding-DNA position 1402, C replaced by T.
Protein change: p.Arg468Trp; replaces arginine 468 with tryptophan.
Molecular consequence: missense variant.
Genome position (GRCh38, 1-based): chr22:40,926,313, C>T. VCF-style: chr22-40926313-C-T. GRCh37 (hg19) VCF-style: chr22-41322317-C-T.
Other names: short protein forms R468W.
Identifiers: ClinVar variation 2066781 (VCV002066781.4), dbSNP rs374297767, ClinGen allele CA10251949.

ClinVar aggregate classification (germline): Uncertain significance (1 of 4 stars; one submission).

Conditions:
Nephronophthisis-like nephropathy 1 (NPHPL1). Identifiers: Orphanet 655, MedGen C3150419, MONDO:0013163, OMIM 613159.

Allele frequency attached by ClinVar (database versions not stated): ESP Exome Variant Server 0.00008; ExAC 0.00001; gnomAD exomes 0.00002; TOPMed 0.00002; gnomAD 0.00003.

Submission:

Labcorp Genetics (formerly Invitae), Labcorp
Classification: Uncertain significance for Nephronophthisis-like nephropathy 1. Last evaluated: 2024-11-04. Review status: criteria provided, single submitter. Criteria: Invitae Variant Classification Sherloc (09022015). Collection method: clinical testing. Allele origin: germline.
Comment: This sequence change replaces arginine, which is basic and polar, with tryptophan, which is neutral and slightly polar, at codon 468 of the XPNPEP3 protein (p.Arg468Trp). This variant is present in population databases (rs374297767, gnomAD 0.006%). This variant has not been reported in the literature in individuals affected with XPNPEP3-related conditions. ClinVar contains an entry for this variant (Variation ID: 2066781). An algorithm developed to predict the effect of missense changes on protein structure and function (PolyPhen-2) suggests that this variant is likely to be disruptive. In summary, the available evidence is currently insufficient to determine the role of this variant in disease. Therefore, it has been classified as a Variant of Uncertain Significance.